The following is an entry in ClinVar:

ClinVar aggregate classification (germline): Uncertain significance (1 of 4 stars; one submission).

Submission:

CeGaT Center for Human Genetics Tuebingen
Classification: Uncertain significance. Last evaluated: 2023-06-01. Review status: criteria provided, single submitter. Criteria: CeGaT Center For Human Genetics Tuebingen Variant Classification Criteria Version 2. Collection method: clinical testing. Allele origin: germline. Affected: yes. Observed: 1 variant allele.
Comment: GABRA1: PM2, PP2, PP3

NM_001127644.2(GABRA1):c.1292T>C (p.Phe431Ser)

Gene: GABRA1 (gamma-aminobutyric acid type A receptor subunit alpha1; plus strand). Cytogenetic location: 5q34.
Variant type: single nucleotide variant.
Coding change: c.1292T>C on transcript NM_001127644.2 (MANE Select); coding-DNA position 1292, T replaced by C.
Protein change: p.Phe431Ser; replaces phenylalanine 431 with serine.
Molecular consequence: missense variant.
Genome position (GRCh38, 1-based): chr5:161,897,343, T>C. VCF-style: chr5-161897343-T-C. GRCh37 (hg19) VCF-style: chr5-161324349-T-C.
Other names: c.1292T>C, p.Phe431Ser (NM_000806.5, NM_001127643.2, NM_001127645.2 and 1 more transcripts); short protein forms F431S.
Identifiers: ClinVar variation 2578987 (VCV002578987.25), dbSNP rs2532296649, ClinGen allele CA362181235.
Genomic context (GRCh38, chr5:161,897,343, plus strand): 5'-AAACCTTTAACAGTGTCAGCAAAATTGACCGACTGTCAAGAATAGCCTTCCCGCTGCTAT[T>C]TGGAATCTTTAACTTAGTCTACTGGGCTACGTATTTAAACAGAGAGCCTCAGCTAAAAGC-3'
Protein context (NP_001121116.1, residues 421-441): RLSRIAFPLL[Phe431Ser]GIFNLVYWAT